The following is an entry in ClinVar:

NM_001289104.2(PRKCSH):c.821_832del (p.Ala274_Arg277del)

Gene: PRKCSH (PRKCSH beta subunit of glucosidase II; plus strand). Cytogenetic location: 19p13.2.
Variant type: Deletion.
Coding change: c.821_832del on transcript NM_001289104.2 (MANE Select); coding-DNA positions 821 to 832, 12 bases deleted (CCGCCATCAGGG).
Protein change: p.Ala274_Arg277del.
Molecular consequence: inframe deletion.
Genome position (GRCh38, 1-based): chr19:11,447,132-11,447,143, CCGCCATCAGGG deleted; deleting any 12 consecutive bases within chr19:11,447,129-11,447,143 gives the same sequence; the c. name uses the placement nearest the transcript's 3' end. VCF-style (leftmost placement, unchanged base first): chr19-11447128-TGGGCCGCCATCA-T. GRCh37 (hg19) VCF-style: chr19-11557943-TGGGCCGCCATCA-T.
Other names: c.821_832del, p.Ala274_Arg277del (NM_001001329.3, NM_001289102.2, NM_001289103.2 and 3 more transcripts).
Identifiers: ClinVar variation 3025677 (VCV003025677.22), dbSNP rs1176604232, ClinGen allele CA632117043.
Genomic context (GRCh38, chr19:11,447,128, plus strand): 5'-ACACAGGCCCTCCTCAGTGGGGACACACAGACAGACGCCACCTCTTTCTACGACCGCGTC[TGGGCCGCCATCA>T]GGGACAAGTACCGGTCCGAGGTCAGTGGAGGAGAAGGGAGGGGACTTGGTCCTCCCACCA-3'

ClinVar aggregate classification (germline): Uncertain significance (1 of 4 stars; one submission).

Submission:

CeGaT Center for Human Genetics Tuebingen
Classification: Uncertain significance. Last evaluated: 2023-12-01. Review status: criteria provided, single submitter. Criteria: CeGaT Center For Human Genetics Tuebingen Variant Classification Criteria Version 2. Collection method: clinical testing. Allele origin: germline. Affected: yes. Observed: 1 variant allele.
Comment: PRKCSH: PM2, PM4